The following is an entry in ClinVar:

ClinVar aggregate classification (germline): Uncertain significance (1 of 4 stars; one submission).

Submission:

Ambry Genetics
Classification: Uncertain significance. Last evaluated: 2025-03-09. Review status: criteria provided, single submitter. Criteria: Ambry Variant Classification Scheme 2023. Collection method: clinical testing. Allele origin: germline.
Comment: The p.K268R variant (also known as c.803A>G), located in coding exon 2 of the WNK2 gene, results from an A to G substitution at nucleotide position 803. The lysine at codon 268 is replaced by arginine, an amino acid with highly similar properties. This amino acid position is conserved. In addition, this alteration is predicted to be tolerated by in silico analysis. Based on the available evidence, the clinical significance of this variant remains unclear.

NM_006648.4(WNK2):c.803A>G (p.Lys268Arg)

Gene: WNK2 (WNK lysine deficient protein kinase 2; plus strand). Cytogenetic location: 9q22.31.
Variant type: single nucleotide variant.
Coding change: c.803A>G on transcript NM_006648.4 (MANE Select); coding-DNA position 803, A replaced by G.
Protein change: p.Lys268Arg; replaces lysine 268 with arginine.
Molecular consequence: missense variant.
Genome position (GRCh38, 1-based): chr9:93,229,817, A>G. VCF-style: chr9-93229817-A-G. GRCh37 (hg19) VCF-style: chr9-95992099-A-G.
Other names: c.803A>G, p.Lys268Arg (NM_001282394.3); short protein forms K268R.
Identifiers: ClinVar variation 3817251 (VCV003817251.1).